The following is an entry in ClinVar:

ClinVar aggregate classification (germline): Benign. Review status: reviewed by expert panel (3 of 4 stars). 11 submissions from 11 submitters: Benign (1). 10 of the submissions do not count toward it. Last evaluated 2017-04-18.

Conditions:
Noonan syndrome and Noonan-related syndrome. Identifiers: Orphanet 98733, MedGen C5681679, MONDO:0020297.
Cardiovascular phenotype. Identifiers: MedGen CN230736.
RASopathy. Also called: rasopathies; Noonan spectrum disorder. Identifiers: Orphanet 536391, MedGen C5555857, MONDO:0021060.
LEOPARD syndrome 3 (LPRD3). Identifiers: Orphanet 500, MedGen C3150971, MONDO:0013380, OMIM 613707.

Allele frequency attached by ClinVar (database versions not stated): gnomAD 0.00003 and 0.00010; TOPMed 0.00010; gnomAD exomes 0.00013 and 0.00028; ESP Exome Variant Server 0.00015; ExAC 0.00030; 1000 Genomes Project 0.00080; 1000 Genomes Project 30x 0.00094.
gnomAD v4.1: 217 of 1,606,934 alleles (0.014%); highest among the groups gnomAD compares: South Asian, 0.15%; 2 homozygotes.

Submissions (11):

ClinGen RASopathy Variant Curation Expert Panel
Classification: Benign for Noonan syndrome and Noonan-related syndrome. Last evaluated: 2017-04-18. Review status: reviewed by expert panel. Criteria: ClinGen RASopathy ACMG Specifications v1. Collection method: curation. Allele origin: germline. Inheritance: Autosomal dominant inheritance.
Comment: The filtering allele frequency of the c.708C>T (p.Asn236=) variant in the BRAF gene is 0.116% (27/16412) of South Asian chromosomes by the Exome Aggregation Consortium, which is a high enough frequency to be classified as benign based on thresholds defined by the ClinGen RASopathy Expert Panel (BA1; PMID:29493581)

CeGaT Center for Human Genetics Tuebingen
Classification: Likely benign. Last evaluated: 2026-03-01. Review status: criteria provided, single submitter. Criteria: CeGaT Center For Human Genetics Tuebingen Variant Classification Criteria Version 2. Collection method: clinical testing. Allele origin: germline. Affected: yes. Observed: 6 variant alleles. Not counted in ClinVar's aggregate classification.
Comment: BRAF: BP4, BP7

Labcorp Genetics (formerly Invitae), Labcorp
Classification: Benign for RASopathy. Last evaluated: 2026-02-01. Review status: criteria provided, single submitter. Criteria: Invitae Variant Classification Sherloc (09022015). Collection method: clinical testing. Allele origin: germline. Not counted in ClinVar's aggregate classification.

ARUP Laboratories, Molecular Genetics and Genomics, ARUP Laboratories
Classification: Benign. Last evaluated: 2025-03-26. Review status: criteria provided, single submitter. Criteria: ARUP Molecular Germline Variant Investigation Process 2024. Collection method: clinical testing. Allele origin: germline. Not counted in ClinVar's aggregate classification.

Blueprint Genetics
Classification: Likely benign. Last evaluated: 2024-10-11. Review status: criteria provided, single submitter. Criteria: ACMG Guidelines, 2015. Collection method: clinical testing. Allele origin: germline. Not counted in ClinVar's aggregate classification.

Ambry Genetics
Classification: Likely benign for Cardiovascular phenotype. Last evaluated: 2024-02-18. Review status: criteria provided, single submitter. Criteria: Ambry Variant Classification Scheme 2023. Collection method: clinical testing. Allele origin: germline. Not counted in ClinVar's aggregate classification.

Genome Diagnostics Laboratory, The Hospital for Sick Children
Classification: Benign for Noonan syndrome and Noonan-related syndrome. Last evaluated: 2020-09-14. Review status: criteria provided, single submitter. Criteria: ACMG Guidelines, 2015. Collection method: clinical testing. Allele origin: germline. Not counted in ClinVar's aggregate classification.

GeneDx
Classification: Benign. Last evaluated: 2018-12-10. Review status: criteria provided, single submitter. Criteria: GeneDx Variant Classification Process June 2021. Collection method: clinical testing. Allele origin: germline. Affected: yes. Not counted in ClinVar's aggregate classification.

Women's Health and Genetics/Laboratory Corporation of America, LabCorp
Classification: Benign. Last evaluated: 2018-04-02. Review status: criteria provided, single submitter. Criteria: LabCorp Variant Classification Summary - May 2015. Collection method: clinical testing. Allele origin: germline. Not counted in ClinVar's aggregate classification.
Comment: Variant summary: BRAF c.708C>T alters a conserved nucleotide resulting in a synonymous change. 4/5 computational tools predict no significant impact on normal splicing. However, these predictions have yet to be confirmed by functional studies. The variant allele was found at a frequency of 0.00026 in 276344 control chromosomes in the gnomAD database, including 1 homozygotes. The observed variant frequency is approximately 105.67 fold of the estimated maximal expected allele frequency for a pathogenic variant in BRAF causing Noonan Syndrome and Related Conditions phenotype (2.5e-06), strongly suggesting that the variant is benign. To our knowledge, no occurrence of c.708C>T in individuals affected with Noonan Syndrome and Related Conditions and no experimental evidence demonstrating its impact on protein function have been reported. Two clinical diagnostic laboratories have submitted clinical-significance assessments for this variant to ClinVar after 2014 without evidence for independent evaluation and classified the variant as benign/likely benign. Based on the evidence outlined above, the variant was classified as benign.

Illumina Laboratory Services, Illumina
Classification: Benign for LEOPARD syndrome 3. Last evaluated: 2018-01-13. Review status: criteria provided, single submitter. Criteria: ICSL Variant Classification Criteria 13 December 2019. Collection method: clinical testing. Allele origin: germline. Not counted in ClinVar's aggregate classification.
Comment: This variant was observed in the ICSL laboratory as part of a predisposition screen in an ostensibly healthy population. It had not been previously curated by ICSL or reported in the Human Gene Mutation Database (HGMD: prior to June 1st, 2018), and was therefore a candidate for classification through an automated scoring system. Utilizing variant allele frequency, disease prevalence and penetrance estimates, and inheritance mode, an automated score was calculated to assess if this variant is too frequent to cause the disease. Based on the score and internal cut-off values, a variant classified as benign is not then subjected to further curation. The score for this variant resulted in a classification of benign for this disease.

Laboratory for Molecular Medicine, Mass General Brigham Personalized Medicine
Classification: Likely benign. Last evaluated: 2008-11-24. Review status: criteria provided, single submitter. Criteria: LMM Criteria. Collection method: clinical testing. Allele origin: germline. Observed: 4 variant alleles. Not counted in ClinVar's aggregate classification.
Comment: Asn236Asn in exon 5 of BRAF: This variant is not expected to have clinical signi ficance because it does not alter an amino acid residue, is not located near a s plice junction, and has been identified in <1% of chromosomes from a broad but c linically and racially unspecified population (dbSNP rs138333692).

NM_004333.6(BRAF):c.708C>T (p.Asn236=)

Gene: BRAF (B-Raf proto-oncogene, serine/threonine kinase; minus strand). Cytogenetic location: 7q34.
Variant type: single nucleotide variant.
Coding change: c.708C>T on transcript NM_004333.6 (MANE Select); coding-DNA position 708, C replaced by T.
Protein change: p.Asn236=; no amino-acid change (asparagine 236 retained).
Molecular consequence: synonymous variant.
Genome position (GRCh38, 1-based): chr7:140,807,963, G>A on the plus strand (C>T on the coding strand, the complement: BRAF is on the minus strand). VCF-style: chr7-140807963-G-A. GRCh37 (hg19) VCF-style: chr7-140507763-G-A.
Other names: NM_004333.4(BRAF):c.708C>T; c.708C>T, p.Asn236= (NM_001354609.2, NM_001374244.1, NM_001374258.1 and 4 more transcripts); c.717C>T, p.Asn239= (NM_001378467.1); c.606C>T, p.Asn202= (NM_001378470.1); c.552C>T, p.Asn184= (NM_001378472.1, NM_001378473.1); c.444C>T, p.Asn148= (NM_001378475.1).
Identifiers: ClinVar variation 44827 (VCV000044827.51), dbSNP rs138333692, ClinGen allele CA135134.